The following is an entry in ClinVar:

ClinVar aggregate classification (germline): Uncertain significance. Review status: criteria provided, multiple submitters, no conflicts (2 of 4 stars). 2 submissions from 2 submitters: Uncertain significance (2). Last evaluated 2023-09-01.

Conditions:
Aniridia 1 (AN1). Identifiers: Orphanet 250923, MedGen C0344542, MONDO:0024507, OMIM 106210.
Irido-corneo-trabecular dysgenesis (ASGD5). Also called: ANTERIOR SEGMENT DYSGENESIS 5. Identifiers: Orphanet 708, MedGen C0344559, MONDO:0011414, OMIM 604229, HP:0000659.

Submissions (2):

CeGaT Center for Human Genetics Tuebingen
Classification: Uncertain significance. Last evaluated: 2023-09-01. Review status: criteria provided, single submitter. Criteria: CeGaT Center For Human Genetics Tuebingen Variant Classification Criteria Version 2. Collection method: clinical testing. Allele origin: germline. Affected: yes. Observed: 4 variant alleles.
Comment: PAX6: PM2, PP1, PP4, BP4

Labcorp Genetics (formerly Invitae), Labcorp
Classification: Uncertain significance for Aniridia 1; Irido-corneo-trabecular dysgenesis. Last evaluated: 2023-07-17. Review status: criteria provided, single submitter. Criteria: Invitae Variant Classification Sherloc (09022015). Collection method: clinical testing. Allele origin: germline.
Comment: This sequence change falls in intron 11 of the PAX6 gene. It does not directly change the encoded amino acid sequence of the PAX6 protein. It affects a nucleotide within the consensus splice site. In summary, the available evidence is currently insufficient to determine the role of this variant in disease. Therefore, it has been classified as a Variant of Uncertain Significance. Variants that disrupt the consensus splice site are a relatively common cause of aberrant splicing (PMID: 17576681, 9536098). Algorithms developed to predict the effect of sequence changes on RNA splicing suggest that this variant is not likely to affect RNA splicing. ClinVar contains an entry for this variant (Variation ID: 2106337). This variant has not been reported in the literature in individuals affected with PAX6-related conditions. This variant is not present in population databases (gnomAD no frequency).

Literature cited by the submitters: PubMed 17576681 (cited by Labcorp Genetics (formerly Invitae), Labcorp); PubMed 9536098 (cited by Labcorp Genetics (formerly Invitae), Labcorp).

NM_001368894.2(PAX6):c.1074+6T>C

Gene: PAX6 (paired box 6; minus strand). Cytogenetic location: 11p13.
Variant type: single nucleotide variant.
Coding change: c.1074+6T>C on transcript NM_001368894.2 (MANE Select); 6 bases into the intron after coding-DNA position 1074, T replaced by C.
Molecular consequence: intron variant. On other transcripts: synonymous variant (1).
Genome position (GRCh38, 1-based): chr11:31,793,432, A>G on the plus strand (T>C on the coding strand, the complement: PAX6 is on the minus strand). VCF-style: chr11-31793432-A-G. GRCh37 (hg19) VCF-style: chr11-31814980-A-G.
Other names: c.1038T>C, p.Ser346= (NM_001310159.1); c.1032+6T>C (NM_001127612.3, NM_001368890.2, NM_001368888.2 and 9 more transcripts); c.873+6T>C (NM_001368921.2, NM_001368923.2, NM_001368926.2 and 4 more transcripts); c.1074+6T>C (NM_001258462.3, NM_001310158.2, NM_001258463.2 and 6 more transcripts); c.1149+6T>C (NM_001368919.2, NM_001368918.2); c.1275+6T>C (NM_001368910.2); c.624+6T>C (NM_001368909.2, NM_001368904.2, NM_001368905.2 and 11 more transcripts); c.1077+6T>C (NM_001368911.2); and 3 more.
Identifiers: ClinVar variation 2106337 (VCV002106337.29), dbSNP rs1131692316, ClinGen allele CA2580082896.